The following is an entry in ClinVar:

NM_000287.4(PEX6):c.776C>T (p.Ser259Phe)

Gene: PEX6 (peroxisomal biogenesis factor 6; minus strand). Cytogenetic location: 6p21.1.
Variant type: single nucleotide variant.
Coding change: c.776C>T on transcript NM_000287.4 (MANE Select); coding-DNA position 776, C replaced by T.
Protein change: p.Ser259Phe; replaces serine 259 with phenylalanine.
Molecular consequence: missense variant. On other transcripts: non-coding transcript variant (1), intron variant (1).
Genome position (GRCh38, 1-based): chr6:42,978,375, G>A on the plus strand (C>T on the coding strand, the complement: PEX6 is on the minus strand). VCF-style: chr6-42978375-G-A. GRCh37 (hg19) VCF-style: chr6-42946113-G-A.
Other names: c.618+158C>T (NM_001316313.2); short protein forms S259F.
Identifiers: ClinVar variation 1430079 (VCV001430079.5), dbSNP rs201329563, ClinGen allele CA138237616.

ClinVar aggregate classification (germline): Uncertain significance (1 of 4 stars; one submission).

Conditions:
Peroxisome biogenesis disorder. Identifiers: Orphanet 79189, MedGen C1832200, MONDO:0019234. Disease mechanism: loss of function.

gnomAD v4.1: 3 of 1,614,086 alleles (0.00019%); highest among the groups gnomAD compares: Non-Finnish European, 0.00025%; no homozygotes.

Submission:

Labcorp Genetics (formerly Invitae), Labcorp
Classification: Uncertain significance for Peroxisome biogenesis disorder. Last evaluated: 2022-08-09. Review status: criteria provided, single submitter. Criteria: Invitae Variant Classification Sherloc (09022015). Collection method: clinical testing. Allele origin: germline.
Comment: This sequence change replaces serine, which is neutral and polar, with phenylalanine, which is neutral and non-polar, at codon 259 of the PEX6 protein (p.Ser259Phe). This variant is not present in population databases (gnomAD no frequency). This variant has not been reported in the literature in individuals affected with PEX6-related conditions. ClinVar contains an entry for this variant (Variation ID: 1430079). Algorithms developed to predict the effect of missense changes on protein structure and function are either unavailable or do not agree on the potential impact of this missense change (SIFT: "Deleterious"; PolyPhen-2: "Possibly Damaging"; Align-GVGD: "Class C0"). In summary, the available evidence is currently insufficient to determine the role of this variant in disease. Therefore, it has been classified as a Variant of Uncertain Significance.